The following is an entry in ClinVar:

NM_138927.4(SON):c.1726C>A (p.Pro576Thr)

Gene: SON (SON DNA and RNA binding protein; plus strand). Cytogenetic location: 21q22.11.
Variant type: single nucleotide variant.
Coding change: c.1726C>A on transcript NM_138927.4 (MANE Select); coding-DNA position 1726, C replaced by A.
Protein change: p.Pro576Thr; replaces proline 576 with threonine.
Molecular consequence: missense variant. On other transcripts: non-coding transcript variant (1), intron variant (1).
Genome position (GRCh38, 1-based): chr21:33,550,957, C>A. VCF-style: chr21-33550957-C-A. GRCh37 (hg19) VCF-style: chr21-34923263-C-A.
Other names: c.1726C>A, p.Pro576Thr (NM_001291411.2, NM_032195.3); c.244+4578C>A (NM_001291412.3); short protein forms P576T.
Identifiers: ClinVar variation 3647419 (VCV003647419.2).

ClinVar aggregate classification (germline): Uncertain significance (1 of 4 stars; one submission).

Submission:

Labcorp Genetics (formerly Invitae), Labcorp
Classification: Uncertain significance. Last evaluated: 2024-04-01. Review status: criteria provided, single submitter. Criteria: Invitae Variant Classification Sherloc (09022015). Collection method: clinical testing. Allele origin: germline.
Comment: This sequence change replaces proline, which is neutral and non-polar, with threonine, which is neutral and polar, at codon 576 of the SON protein (p.Pro576Thr). This variant is not present in population databases (gnomAD no frequency). This variant has not been reported in the literature in individuals affected with SON-related conditions. An algorithm developed to predict the effect of missense changes on protein structure and function (PolyPhen-2) suggests that this variant is likely to be disruptive. In summary, the available evidence is currently insufficient to determine the role of this variant in disease. Therefore, it has been classified as a Variant of Uncertain Significance.